The following is an entry in ClinVar:

ClinVar aggregate classification (germline): Conflicting classifications of pathogenicity. Review status: criteria provided, conflicting classifications (1 of 4 stars). 2 submissions from 2 submitters: Uncertain significance (1); Likely benign (1). Last evaluated 2025-04-20.

Conditions:
Brugada syndrome. Also called: Sudden unexpected nocturnal death syndrome; Sudden unexplained nocturnal death syndrome; Sudden Unexplained Death Syndrome; Sudden Unexplained Nocturnal Death Syndrome (SUNDS). Identifiers: Orphanet 130, MedGen C1142166, MONDO:0015263.

Submissions (2):

Labcorp Genetics (formerly Invitae), Labcorp
Classification: Uncertain significance for Brugada syndrome. Last evaluated: 2025-04-20. Review status: criteria provided, single submitter. Criteria: Invitae Variant Classification Sherloc (09022015). Collection method: clinical testing. Allele origin: germline.
Comment: This sequence change affects codon 132 of the KCNE5 mRNA. It is a 'silent' change, meaning that it does not change the encoded amino acid sequence of the KCNE5 protein. This variant is not present in population databases (gnomAD no frequency). This variant has not been reported in the literature in individuals affected with KCNE5-related conditions. In summary, the available evidence is currently insufficient to determine the role of this variant in disease. Therefore, it has been classified as a Variant of Uncertain Significance.

Ambry Genetics
Classification: Likely benign. Last evaluated: 2024-12-29. Review status: criteria provided, single submitter. Criteria: Ambry Variant Classification Scheme 2023. Collection method: clinical testing. Allele origin: germline.

NM_012282.4(KCNE5):c.396G>A (p.Leu132=)

Gene: KCNE5 (potassium voltage-gated channel subfamily E regulatory subunit 5; minus strand). Cytogenetic location: Xq23.
Variant type: single nucleotide variant.
Coding change: c.396G>A on transcript NM_012282.4 (MANE Select); coding-DNA position 396, G replaced by A.
Protein change: p.Leu132=; no amino-acid change (leucine 132 retained).
Molecular consequence: synonymous variant.
Genome position (GRCh38, 1-based): chrX:109,624,625, C>T on the plus strand (G>A on the coding strand, the complement: KCNE5 is on the minus strand). VCF-style: chrX-109624625-C-T. GRCh37 (hg19) VCF-style: chrX-108867854-C-T.
Identifiers: ClinVar variation 3862723 (VCV003862723.2).